The following is an entry in ClinVar:

NM_000088.4(COL1A1):c.4050C>G (p.Ile1350Met)

Gene: COL1A1 (collagen type I alpha 1 chain; minus strand). Cytogenetic location: 17q21.33.
Variant type: single nucleotide variant.
Coding change: c.4050C>G on transcript NM_000088.4 (MANE Select); coding-DNA position 4050, C replaced by G.
Protein change: p.Ile1350Met; replaces isoleucine 1350 with methionine.
Molecular consequence: missense variant.
Genome position (GRCh38, 1-based): chr17:50,185,976, G>C on the plus strand (C>G on the coding strand, the complement: COL1A1 is on the minus strand). VCF-style: chr17-50185976-G-C. GRCh37 (hg19) VCF-style: chr17-48263337-G-C.
Other names: short protein forms I1350M.
Identifiers: ClinVar variation 3013307 (VCV003013307.3), dbSNP rs2509157168, ClinGen allele CA400192624.
Genomic context (GRCh38, chr17:50,185,976, plus strand): 5'-GCAGTGGTAGGTGATGTTCTGGGAGGCCTCGGTGGACATCAGGCGCAGGAAGGTCAGCTG[G>C]ATGGCCACATCGGCAGGGTCGGAGCCCTGGCCGCCATACTCGAACTGCAGGGGAGGGGAG-3'
Protein context (NP_000079.2, residues 1340-1360): GQGSDPADVA[Ile1350Met]QLTFLRLMST

ClinVar aggregate classification (germline): Uncertain significance (1 of 4 stars; one submission).

Conditions:
Osteogenesis imperfecta type I (OI1). Also called: Osteogenesis imperfecta type 1; Lobstein's Disease; OI, TYPE I; OSTEOGENESIS IMPERFECTA TARDA; OSTEOGENESIS IMPERFECTA WITH BLUE SCLERAE; Lobstein disease. Identifiers: Orphanet 216796, Orphanet 666, MedGen C0023931, MONDO:0008146, OMIM 166200. Disease mechanism: loss of function.

Submission:

Labcorp Genetics (formerly Invitae), Labcorp
Classification: Uncertain significance for Osteogenesis imperfecta type I. Last evaluated: 2023-11-29. Review status: criteria provided, single submitter. Criteria: Invitae Variant Classification Sherloc (09022015). Collection method: clinical testing. Allele origin: germline.
Comment: This sequence change replaces isoleucine, which is neutral and non-polar, with methionine, which is neutral and non-polar, at codon 1350 of the COL1A1 protein (p.Ile1350Met). This variant is not present in population databases (gnomAD no frequency). This variant has not been reported in the literature in individuals affected with COL1A1-related conditions. Advanced modeling of protein sequence and biophysical properties (such as structural, functional, and spatial information, amino acid conservation, physicochemical variation, residue mobility, and thermodynamic stability) performed at Invitae indicates that this missense variant is not expected to disrupt COL1A1 protein function with a negative predictive value of 95%. In summary, the available evidence is currently insufficient to determine the role of this variant in disease. Therefore, it has been classified as a Variant of Uncertain Significance.